The following is an entry in ClinVar:

ClinVar aggregate classification (germline): Benign. Review status: criteria provided, multiple submitters, no conflicts (2 of 4 stars). 3 submissions from 3 submitters: Benign (2). 1 of the submissions does not count toward it. Last evaluated 2018-06-29.

Conditions:
DHX34-related disorder. Also called: DHX34-related condition.

Allele frequency attached by ClinVar (database versions not stated): gnomAD exomes 0.00087 and 0.00237; ExAC 0.00296; gnomAD 0.00795 and 0.00859; ESP Exome Variant Server 0.00861; 1000 Genomes Project 30x 0.00906; TOPMed 0.00940; 1000 Genomes Project 0.00978.
gnomAD v4.1: 2,573 of 1,613,510 alleles (0.16%); highest among the groups gnomAD compares: African/African-American, 2.9%; 51 homozygotes.

Submissions (3):

Labcorp Genetics (formerly Invitae), Labcorp
Classification: Benign. Last evaluated: 2018-06-29. Review status: criteria provided, single submitter. Criteria: Invitae Variant Classification Sherloc (09022015). Collection method: clinical testing. Allele origin: germline.

Breakthrough Genomics
Classification: Benign. Review status: criteria provided, single submitter. Criteria: ACMG Guidelines, 2015. Collection method: not provided. Allele origin: germline. Inheritance: Unknown mechanism. Affected: yes.

PreventionGenetics, part of Exact Sciences
Classification: Benign for DHX34-related condition. Last evaluated: 2019-11-16. Review status: no assertion criteria provided. Collection method: clinical testing. Allele origin: germline. Not counted in ClinVar's aggregate classification.
Comment: This variant is classified as benign based on ACMG/AMP sequence variant interpretation guidelines (Richards et al. 2015 PMID: 25741868, with internal and published modifications).

NM_014681.6(DHX34):c.508C>T (p.Arg170Cys)

Gene: DHX34 (DExH-box helicase 34; plus strand). Cytogenetic location: 19q13.32.
Variant type: single nucleotide variant.
Coding change: c.508C>T on transcript NM_014681.6 (MANE Select); coding-DNA position 508, C replaced by T.
Protein change: p.Arg170Cys; replaces arginine 170 with cysteine.
Molecular consequence: missense variant.
Genome position (GRCh38, 1-based): chr19:47,353,538, C>T. VCF-style: chr19-47353538-C-T. GRCh37 (hg19) VCF-style: chr19-47856795-C-T.
Other names: short protein forms R170C.
Identifiers: ClinVar variation 775417 (VCV000775417.6), dbSNP rs113879151, ClinGen allele CA9537770.